The following is an entry in ClinVar:

ClinVar aggregate classification (germline): Conflicting classifications of pathogenicity. Review status: criteria provided, conflicting classifications (1 of 4 stars). 2 submissions from 2 submitters: Uncertain significance (1); Likely benign (1). Last evaluated 2026-07-22.

Conditions:
Hereditary cancer-predisposing syndrome. Also called: Tumor predisposition; Hereditary neoplastic syndrome; Neoplastic Syndromes, Hereditary; Hereditary Cancer Syndrome. Identifiers: Orphanet 140162, MedGen C0027672, MeSH D009386, MONDO:0015356.
Hereditary breast ovarian cancer syndrome. Also called: Hereditary breast and ovarian cancer; Hereditary breast and ovarian cancer syndrome (HBOC); Hereditary breast and/or ovarian cancer syndrome; Hereditary breast and ovarian cancer syndrome; Breast and ovarian cancer; BRCA1- and BRCA2-Associated Hereditary Breast and Ovarian Cancer. Identifiers: Orphanet 145, MedGen C0677776, MeSH D061325, MONDO:0003582. Disease mechanism: loss of function.

Submissions (3):

Ambry Genetics
Classification: Likely benign for Hereditary cancer-predisposing syndrome. Last evaluated: 2026-07-22. Review status: criteria provided, single submitter. Criteria: Ambry Variant Classification Scheme 2023. Collection method: clinical testing. Allele origin: germline.

Labcorp Genetics (formerly Invitae), Labcorp
Classification: Uncertain significance for Hereditary breast ovarian cancer syndrome. Last evaluated: 2026-01-20. Review status: criteria provided, single submitter. Criteria: Invitae Variant Classification Sherloc (09022015). Collection method: clinical testing. Allele origin: germline.
Comment: This sequence change replaces lysine, which is basic and polar, with glutamic acid, which is acidic and polar, at codon 20 of the BRCA1 protein (p.Lys20Glu). This variant is not present in population databases (gnomAD no frequency). This variant has not been reported in the literature in individuals affected with BRCA1-related conditions. ClinVar contains an entry for this variant (Variation ID: 868743). Invitae Evidence Modeling incorporating data from in vitro experimental studies (PMID: 30209399) indicates that this missense variant is not expected to disrupt BRCA1 function with a negative predictive value of 95%. Experimental studies have shown that this missense change does not substantially affect BRCA1 function (PMID: 30209399). In summary, the available evidence is currently insufficient to determine the role of this variant in disease. Therefore, it has been classified as a Variant of Uncertain Significance.

Brotman Baty Institute, University of Washington
No classification provided (evidence only). Condition: Breast-ovarian cancer, familial 1. Review status: no classification provided. Collection method: in vitro. Allele origin: not applicable. Functional consequence: functionally_normal. Not counted in ClinVar's aggregate classification.
ClinVar note: "not provided" was previously submitted as the classification for the variant. However, the classification appeared to be based only on an observation of functional data so it was converted to no classification on 2025-07-30.

Literature cited by the submitters: PubMed 30209399 (cited by Labcorp Genetics (formerly Invitae), Labcorp).

NM_007294.4(BRCA1):c.58A>G (p.Lys20Glu)

Gene: BRCA1 (BRCA1 DNA repair associated; minus strand). Cytogenetic location: 17q21.31.
Variant type: single nucleotide variant.
Coding change: c.58A>G on transcript NM_007294.4 (MANE Select); coding-DNA position 58, A replaced by G.
Protein change: p.Lys20Glu; replaces lysine 20 with glutamic acid.
Molecular consequence: missense variant. On other transcripts: 5 prime UTR variant (1), non-coding transcript variant (1).
Genome position (GRCh38, 1-based): chr17:43,124,039, T>C on the plus strand (A>G on the coding strand, the complement: BRCA1 is on the minus strand). VCF-style: chr17-43124039-T-C. GRCh37 (hg19) VCF-style: chr17-41276056-T-C.
Other names: c.-131A>G (NM_001407571.1, NM_001407853.1, NM_001407879.1 and 46 more transcripts); c.58A>G, p.Lys20Glu (NM_001407581.1, NM_001407582.1, NM_001407583.1 and 193 more transcripts); c.-200A>G (NM_001407694.1, NM_001407724.1, NM_001407727.1 and 11 more transcripts); c.-204A>G (NM_001407695.1, NM_001408465.1); c.-345A>G (NM_001407696.1); c.-229A>G (NM_001407697.1, NM_001407846.1, NM_001407920.1); c.-30A>G (NM_001407698.1, NM_001407732.1, NM_001407736.1 and 23 more transcripts); c.-203A>G (NM_001407725.1, NM_001407730.1, NM_001407734.1 and 22 more transcripts); and 8 more; short protein forms K20E.
Identifiers: ClinVar variation 868743 (VCV000868743.14), dbSNP rs2055725050, ClinGen allele CA10602040.